The following is an entry in ClinVar:

ClinVar aggregate classification (germline): Conflicting classifications of pathogenicity. Review status: criteria provided, conflicting classifications (1 of 4 stars). 3 submissions from 3 submitters: Likely pathogenic (1); Uncertain significance (2). Last evaluated 2023-05-30.

Conditions:
Autosomal recessive nonsyndromic hearing loss 77. Identifiers: Orphanet 90636, MedGen C2746083, MONDO:0013119, OMIM 613079.

Allele frequency attached by ClinVar (database versions not stated): TOPMed below 0.00001; gnomAD 0.00001.
gnomAD v4.1: 21 of 1,551,736 alleles (0.0014%); highest among the groups gnomAD compares: Admixed American, 0.0039%; no homozygotes.

Submissions (3):

Women's Health and Genetics/Laboratory Corporation of America, LabCorp
Classification: Uncertain significance. Last evaluated: 2023-05-30. Review status: criteria provided, single submitter. Criteria: LabCorp Variant Classification Summary - May 2015. Collection method: clinical testing. Allele origin: germline.
Comment: Variant summary: LOXHD1 c.4940C>A (p.Ala1647Asp) results in a non-conservative amino acid change in the encoded protein sequence. Five of five in-silico tools predict a damaging effect of the variant on protein function. The variant allele was found at a frequency of 6.3e-06 in 159238 control chromosomes (gnomAD). The available data on variant occurrences in the general population are insufficient to allow any conclusion about variant significance. c.4940C>A has been reported in the literature as an uninformative genotype (i.e. zygosity not specified) in an individual affected with Nonsyndromic Hearing Loss (Carlson_2023). This report does not provide unequivocal conclusions about association of the variant with Nonsyndromic Hearing Loss And Deafness, Type 77. To our knowledge, no experimental evidence demonstrating an impact on protein function has been reported. The following publication has been ascertained in the context of this evaluation (PMID: 36633841). One submitter has provided a clinical-significance assessment for this variant to ClinVar after 2014 and classified the variant as likely pathogenic. Based on the evidence outlined above, the variant was classified as uncertain significance.

King Laboratory, University of Washington
Classification: Likely pathogenic for Autosomal recessive nonsyndromic hearing loss 77. Last evaluated: 2023-02-28. Review status: criteria provided, single submitter. Criteria: Li et al. (Genet Med. 2022). Collection method: research. Allele origin: unknown. Affected: yes.
Comment: This variant occurred in compound heterozygosity with a LOXHD1 splicing variant in two siblings with bilateral sensorineural hearing loss of onset <18 years, in a study of pediatric hearing loss conducted by the King Laboratory (Carlson RJ et al. JAMA-OtoHNS 2023). These siblings’ family has no other history of hearing loss. This variant is a missense at a highly conserved site in the PLAT4 domain of the LOXHD1 protein and is predicted to be damaging by multiple in-silico tools. As of January 2023, this variant has not been reported to ClinVar and is not found on gnomAD. Based on compound heterozygosity with a loss-of-function variant, consistently predicted functional effect, co-segregation with the phenotype in the family, and goodness of fit of genotype to phenotype, we conclude that this variant is likely pathogenic.

Genetics Research Center, University of Social Welfare and Rehabilitation Sciences
Classification: Uncertain significance for Autosomal recessive nonsyndromic hearing loss 77. Review status: criteria provided, single submitter. Criteria: ACMG Guidelines, 2015. Collection method: research. Allele origin: germline. Affected: yes.
Comment: The variant is not present in the gnomAD v2.1.1 dataset and has been previously reported in individual(s) affected with LOXHD1-related hearing loss (PMID:36633841). Multiple in silico prediction tools suggest that the variant is damaging to protein function.

Literature cited by the submitters: PubMed 36633841 (cited by 3 submitters).

NM_001384474.1(LOXHD1):c.4940C>A (p.Ala1647Asp)

Gene: LOXHD1 (lipoxygenase homology PLAT domains 1; minus strand). Cytogenetic location: 18q21.1.
Variant type: single nucleotide variant.
Coding change: c.4940C>A on transcript NM_001384474.1 (MANE Select); coding-DNA position 4940, C replaced by A.
Protein change: p.Ala1647Asp; replaces alanine 1647 with aspartic acid.
Molecular consequence: missense variant.
Genome position (GRCh38, 1-based): chr18:46,522,246, G>T on the plus strand (C>A on the coding strand, the complement: LOXHD1 is on the minus strand). VCF-style: chr18-46522246-G-T. GRCh37 (hg19) VCF-style: chr18-44102209-G-T.
Other names: c.4940C>A (NM_144612.6); c.1607C>A, p.Ala536Asp (NM_001145472.3); c.1319C>A, p.Ala440Asp (NM_001308013.2); c.4940C>A, p.Ala1647Asp (NM_144612.7); short protein forms A440D, A1647D, A536D.
Identifiers: ClinVar variation 2445664 (VCV002445664.3), dbSNP rs1459136471, ClinGen allele CA402371999.
Genomic context (GRCh38, chr18:46,522,246, plus strand): 5'-GGGTAGTCCAACCAGATGCGCTTACTACGTTCATCATCCTCCCCGATGAGAAAGATGAAG[G>T]CTCGGCTGTCAGTGGCCGCGTCCTTGTGCTTCCCAGTGGTGACTGACACATAGTAGGGAA-3'
Protein context (NP_001371403.1, residues 1637-1657): KHKDAATDSR[Ala1647Asp]FIFLIGEDDE